The following is an entry in ClinVar:

NM_006231.4(POLE):c.6130C>A (p.Leu2044Ile)

Gene: POLE (DNA polymerase epsilon, catalytic subunit; minus strand). Cytogenetic location: 12q24.33.
Variant type: single nucleotide variant.
Coding change: c.6130C>A on transcript NM_006231.4 (MANE Select); coding-DNA position 6130, C replaced by A.
Protein change: p.Leu2044Ile; replaces leucine 2044 with isoleucine.
Molecular consequence: missense variant.
Genome position (GRCh38, 1-based): chr12:132,632,670, G>T on the plus strand (C>A on the coding strand, the complement: POLE is on the minus strand). VCF-style: chr12-132632670-G-T. GRCh37 (hg19) VCF-style: chr12-133209256-G-T.
Other names: c.6130C>A (NM_006231.2); short protein forms L2044I.
Identifiers: ClinVar variation 4811956 (VCV004811956.2).

ClinVar aggregate classification (germline): Uncertain significance. Review status: criteria provided, multiple submitters, no conflicts (2 of 4 stars). 2 submissions from 2 submitters: Uncertain significance (2). Last evaluated 2026-02-28.

Conditions:
Hereditary cancer-predisposing syndrome. Also called: Neoplastic Syndromes, Hereditary; Hereditary neoplastic syndrome; Tumor predisposition; Hereditary Cancer Syndrome. Identifiers: Orphanet 140162, MedGen C0027672, MeSH D009386, MONDO:0015356.

Submissions (2):

Ambry Genetics
Classification: Uncertain significance for Hereditary cancer-predisposing syndrome. Last evaluated: 2026-02-28. Review status: criteria provided, single submitter. Criteria: Ambry Variant Classification Scheme 2023. Collection method: clinical testing. Allele origin: germline.
Comment: The p.L2044I variant (also known as c.6130C>A), located in coding exon 44 of the POLE gene, results from a C to A substitution at nucleotide position 6130. The leucine at codon 2044 is replaced by isoleucine, an amino acid with highly similar properties. This amino acid position is conserved. In addition, this alteration is predicted to be tolerated by in silico analysis. Based on the available evidence, the clinical significance of this variant remains unclear.

Labcorp Genetics (formerly Invitae), Labcorp
Classification: Uncertain significance. Last evaluated: 2025-09-04. Review status: criteria provided, single submitter. Criteria: Invitae Variant Classification Sherloc (09022015). Collection method: clinical testing. Allele origin: germline.
Comment: This sequence change replaces leucine, which is neutral and non-polar, with isoleucine, which is neutral and non-polar, at codon 2044 of the POLE protein (p.Leu2044Ile). This variant is not present in population databases (gnomAD no frequency). This variant has not been reported in the literature in individuals affected with POLE-related conditions. Invitae Evidence Modeling of protein sequence and biophysical properties (such as structural, functional, and spatial information, amino acid conservation, physicochemical variation, residue mobility, and thermodynamic stability) indicates that this missense variant is not expected to disrupt POLE protein function with a negative predictive value of 80%. In summary, the available evidence is currently insufficient to determine the role of this variant in disease. Therefore, it has been classified as a Variant of Uncertain Significance.